The following is an entry in ClinVar:

NM_000264.5(PTCH1):c.3372del (p.Val1126fs)

Gene: PTCH1 (patched 1; minus strand). Cytogenetic location: 9q22.32.
Variant type: Deletion.
Coding change: c.3372del on transcript NM_000264.5 (MANE Select); coding-DNA position 3372, one base deleted (A; older notation c.3372delA).
Protein change: p.Val1126fs; shifts the reading frame from valine 1126.
Molecular consequence: frameshift variant. On other transcripts: non-coding transcript variant (1).
Genome position (GRCh38, 1-based): chr9:95,453,555, T deleted on the plus strand (A on the coding strand, the reverse complement: PTCH1 is on the minus strand). VCF-style (leftmost placement, unchanged base first): chr9-95453554-GT-G. GRCh37 (hg19) VCF-style: chr9-98215836-GT-G.
Other names: c.3174del, p.Val1060fs (NM_001083602.3); c.3369del, p.Val1125fs (NM_001083603.3); c.2919del, p.Val975fs (NM_001083604.3, NM_001083605.3, NM_001083606.3 and 1 more transcripts); c.3216del, p.Val1074fs (NM_001354918.2); short protein forms V1125fs, V1126fs, V975fs, V1074fs, V1060fs.
Identifiers: ClinVar variation 1996118 (VCV001996118.4), dbSNP rs2538040944, ClinGen allele CA2580081160.

ClinVar aggregate classification (germline): Pathogenic (1 of 4 stars; one submission).

Conditions:
Gorlin syndrome. Also called: Basal cell nevus syndrome; Nevoid Basal Cell Carcinoma Syndrome. Identifiers: Orphanet 377, MedGen C0004779, MONDO:0007187.

Submission:

Labcorp Genetics (formerly Invitae), Labcorp
Classification: Pathogenic for Gorlin syndrome. Last evaluated: 2022-05-18. Review status: criteria provided, single submitter. Criteria: Invitae Variant Classification Sherloc (09022015). Collection method: clinical testing. Allele origin: germline.
Comment: For these reasons, this variant has been classified as Pathogenic. This premature translational stop signal has been observed in individual(s) with clinical features of basal cell nevus syndrome (PMID: 15459969, 29575684). This variant is not present in population databases (gnomAD no frequency). This sequence change creates a premature translational stop signal (p.Val1126Serfs*13) in the PTCH1 gene. It is expected to result in an absent or disrupted protein product. Loss-of-function variants in PTCH1 are known to be pathogenic (PMID: 16301862, 16419085).

Literature cited by the submitters: PubMed 15459969; PubMed 29575684; PubMed 16301862; PubMed 16419085.